The following is an entry in ClinVar:

ClinVar aggregate classification (germline): Likely benign (0 of 4 stars; one submission).

Conditions:
GSTZ1-related disorder. Also called: GSTZ1-related condition.

Allele frequency attached by ClinVar (database versions not stated): gnomAD exomes 0.00016; ExAC 0.00043; gnomAD 0.00108; ESP Exome Variant Server 0.00115; 1000 Genomes Project 0.00120; TOPMed 0.00129; 1000 Genomes Project 30x 0.00141.
gnomAD v4.1: 440 of 1,613,782 alleles (0.027%); highest among the groups gnomAD compares: African/African-American, 0.42%; 5 homozygotes.

Submission:

PreventionGenetics, part of Exact Sciences
Classification: Likely benign for GSTZ1-related condition. Last evaluated: 2022-03-23. Review status: no assertion criteria provided. Collection method: clinical testing. Allele origin: germline.
Comment: This variant is classified as likely benign based on ACMG/AMP sequence variant interpretation guidelines (Richards et al. 2015 PMID: 25741868, with internal and published modifications).

NM_145870.3(GSTZ1):c.565A>G (p.Ile189Val)

Gene: GSTZ1 (glutathione S-transferase zeta 1; plus strand). Cytogenetic location: 14q24.3.
Variant type: single nucleotide variant.
Coding change: c.565A>G on transcript NM_145870.3 (MANE Select); coding-DNA position 565, A replaced by G.
Protein change: p.Ile189Val; replaces isoleucine 189 with valine.
Molecular consequence: missense variant.
Genome position (GRCh38, 1-based): chr14:77,331,109, A>G. VCF-style: chr14-77331109-A-G. GRCh37 (hg19) VCF-style: chr14-77797452-A-G.
Other names: c.400A>G, p.Ile134Val (NM_001312660.2); c.568A>G, p.Ile190Val (NM_001363703.2); c.439A>G, p.Ile147Val (NM_145871.3); short protein forms I134V, I147V, I189V, I190V.
Identifiers: ClinVar variation 3056016 (VCV003056016.2), dbSNP rs143936720, ClinGen allele CA7286679.
Genomic context (GRCh38, chr14:77,331,109, plus strand): 5'-CAGGTGTTTCTCTACTACAGATTCAAGGTGGATCTCACCCCCTACCCTACCATCAGCTCC[A>G]TCAACAAGAGGCTGCTGGTCTTGGAGGCCTTCCAGGTGTCTCACCCCTGCCGGCAGCCAG-3'
Protein context (NP_665877.1, residues 179-199): DLTPYPTISS[Ile189Val]NKRLLVLEAF